The following is an entry in ClinVar:

ClinVar aggregate classification (germline): Uncertain significance (1 of 4 stars; one submission).

Conditions:
Deficiency of aromatic-L-amino-acid decarboxylase. Also called: AADC DEFICIENCY; DDC DEFICIENCY; DOPA DECARBOXYLASE DEFICIENCY; Aromatic L-Amino Acid Decarboxylase Deficiency; Aromatic amino acid decarboxylase deficiency. Identifiers: Orphanet 35708, MedGen C1291564, MONDO:0012084, OMIM 608643.

Allele frequency attached by ClinVar (database versions not stated): TOPMed 0.00001; ExAC 0.00002; gnomAD 0.00002; gnomAD exomes 0.00002.
gnomAD v4.1: 24 of 1,612,850 alleles (0.0015%); highest among the groups gnomAD compares: East Asian, 0.033%; no homozygotes.

Submission:

Labcorp Genetics (formerly Invitae), Labcorp
Classification: Uncertain significance for Deficiency of aromatic-L-amino-acid decarboxylase. Last evaluated: 2024-10-17. Review status: criteria provided, single submitter. Criteria: Invitae Variant Classification Sherloc (09022015). Collection method: clinical testing. Allele origin: germline.
Comment: This sequence change falls in intron 13 of the DDC gene. It does not directly change the encoded amino acid sequence of the DDC protein. This variant is present in population databases (rs748679925, gnomAD 0.01%). This variant has been observed in individual(s) with aromatic L-amino acid decarboxylase deficiency (PMID: 36928758). ClinVar contains an entry for this variant (Variation ID: 2154493). Algorithms developed to predict the effect of sequence changes on RNA splicing suggest that this variant may disrupt the consensus splice site. In summary, the available evidence is currently insufficient to determine the role of this variant in disease. Therefore, it has been classified as a Variant of Uncertain Significance.

Literature cited by the submitters: PubMed 36928758.

NM_001082971.2(DDC):c.1243-10A>G

Gene: DDC (dopa decarboxylase; minus strand). Cytogenetic location: 7p12.2.
Variant type: single nucleotide variant.
Coding change: c.1243-10A>G on transcript NM_001082971.2 (MANE Select); 10 bases into the intron before coding-DNA position 1243, A replaced by G.
Molecular consequence: intron variant.
Genome position (GRCh38, 1-based): chr7:50,463,441, T>C on the plus strand (A>G on the coding strand, the complement: DDC is on the minus strand). VCF-style: chr7-50463441-T-C. GRCh37 (hg19) VCF-style: chr7-50531139-T-C.
Other names: c.1009-10A>G (NM_001242888.2); c.1129-10A>G (NM_001242886.2); c.964-10A>G (NM_001242889.2); c.1099-10A>G (NM_001242887.2); c.1243-10A>G (NM_000790.4).
Identifiers: ClinVar variation 2154493 (VCV002154493.3), dbSNP rs748679925, ClinGen allele CA4262004.